The following is an entry in ClinVar:

ClinVar aggregate classification (germline): Uncertain significance. Review status: criteria provided, multiple submitters, no conflicts (2 of 4 stars). 2 submissions from 2 submitters: Uncertain significance (2). Last evaluated 2025-12-23.

Allele frequency attached by ClinVar (database versions not stated): ESP Exome Variant Server 0.00084; ExAC 0.00011; gnomAD 0.00029 and 0.00025; gnomAD exomes 0.00013 and 0.00014; TOPMed 0.00032.
gnomAD v4.1: 237 of 1,613,968 alleles (0.015%); highest among the groups gnomAD compares: African/African-American, 0.063%; no homozygotes.

Submissions (2):

Labcorp Genetics (formerly Invitae), Labcorp
Classification: Uncertain significance. Last evaluated: 2025-12-23. Review status: criteria provided, single submitter. Criteria: Invitae Variant Classification Sherloc (09022015). Collection method: clinical testing. Allele origin: germline.
Comment: This sequence change replaces threonine, which is neutral and polar, with methionine, which is neutral and non-polar, at codon 688 of the NPAT protein (p.Thr688Met). This variant is present in population databases (rs199837111, gnomAD 0.07%), and has an allele count higher than expected for a pathogenic variant. This variant has not been reported in the literature in individuals affected with NPAT-related conditions. ClinVar contains an entry for this variant (Variation ID: 1338718). An algorithm developed to predict the effect of missense changes on protein structure and function outputs the following: PolyPhen-2: "Benign". The methionine amino acid residue is found in multiple mammalian species, which suggests that this missense change does not adversely affect protein function. In summary, the available evidence is currently insufficient to determine the role of this variant in disease. Therefore, it has been classified as a Variant of Uncertain Significance.

Genetic Services Laboratory, University of Chicago
Classification: Uncertain significance. Last evaluated: 2021-07-27. Review status: criteria provided, single submitter. Criteria: ACMG Guidelines, 2015. Collection method: clinical testing. Allele origin: germline. Affected: no.
Comment: DNA sequence analysis of the NPAT gene demonstrated a sequence change, c.2063C>T, in exon 13 that results in an amino acid change, p.Thr688Met. This sequence change does not appear to have been previously described in individuals with NPAT-related disorders and has been described in the gnomAD database with a low population frequency of 0.014% (dbSNP rs199837111). The p.Thr688Met change affects a poorly conserved amino acid residue located in a domain of the NPAT protein that is not known to be functional. The p.Thr688Met substitution appears to be benign using several in-silico pathogenicity prediction tools (SIFT, PolyPhen2, Align GVGD, REVEL). Due to these contrasting evidences and the lack of functional studies, the clinical significance of the p.Thr688Met change remains unknown at this time.

NM_002519.3(NPAT):c.2063C>T (p.Thr688Met)

Gene: NPAT (nuclear protein, coactivator of histone transcription; minus strand). Cytogenetic location: 11q22.3.
Variant type: single nucleotide variant.
Coding change: c.2063C>T on transcript NM_002519.3 (MANE Select); coding-DNA position 2063, C replaced by T.
Protein change: p.Thr688Met; replaces threonine 688 with methionine.
Molecular consequence: missense variant.
Genome position (GRCh38, 1-based): chr11:108,172,921, G>A on the plus strand (C>T on the coding strand, the complement: NPAT is on the minus strand). VCF-style: chr11-108172921-G-A. GRCh37 (hg19) VCF-style: chr11-108043648-G-A.
Other names: c.2063C>T, p.Thr688Met (NM_001321307.1); short protein forms T688M.
Identifiers: ClinVar variation 1338718 (VCV001338718.7), dbSNP rs199837111, ClinGen allele CA6263890.